The following is an entry in ClinVar:

NM_001036.6(RYR3):c.4640A>C (p.Glu1547Ala)

Gene: RYR3 (ryanodine receptor 3; plus strand). Cytogenetic location: 15q14.
Variant type: single nucleotide variant.
Coding change: c.4640A>C on transcript NM_001036.6 (MANE Select); coding-DNA position 4640, A replaced by C.
Protein change: p.Glu1547Ala; replaces glutamic acid 1547 with alanine.
Molecular consequence: missense variant.
Genome position (GRCh38, 1-based): chr15:33,662,170, A>C. VCF-style: chr15-33662170-A-C. GRCh37 (hg19) VCF-style: chr15-33954371-A-C.
Other names: c.4640A>C (NM_001036.3); c.4640A>C, p.Glu1547Ala (NM_001243996.4); short protein forms E1547A.
Identifiers: ClinVar variation 942006 (VCV000942006.10), dbSNP rs1487780532, ClinGen allele CA391568268.

ClinVar aggregate classification (germline): Uncertain significance. Review status: criteria provided, multiple submitters, no conflicts (2 of 4 stars). 2 submissions from 2 submitters: Uncertain significance (2). Last evaluated 2022-06-28.

Conditions:
Epileptic encephalopathy. Identifiers: MedGen C0543888, HP:0200134.

Allele frequency attached by ClinVar (database versions not stated): gnomAD exomes below 0.00001 and 0.00001; gnomAD 0.00001; TOPMed 0.00001.
gnomAD v4.1: 10 of 1,598,736 alleles (0.00063%); highest among the groups gnomAD compares: South Asian, 0.0011%; no homozygotes.

Submissions (2):

Ambry Genetics
Classification: Uncertain significance. Last evaluated: 2022-06-28. Review status: criteria provided, single submitter. Criteria: Ambry Variant Classification Scheme 2023. Collection method: clinical testing. Allele origin: germline.

Labcorp Genetics (formerly Invitae), Labcorp
Classification: Uncertain significance for Epileptic encephalopathy. Last evaluated: 2019-09-08. Review status: criteria provided, single submitter. Criteria: Invitae Variant Classification Sherloc (09022015). Collection method: clinical testing. Allele origin: germline.
Comment: In summary, the available evidence is currently insufficient to determine the role of this variant in disease. Therefore, it has been classified as a Variant of Uncertain Significance. Algorithms developed to predict the effect of missense changes on protein structure and function (SIFT, PolyPhen-2, Align-GVGD) all suggest that this variant is likely to be disruptive, but these predictions have not been confirmed by published functional studies and their clinical significance is uncertain. This variant has not been reported in the literature in individuals with RYR3-related conditions. This variant is not present in population databases (ExAC no frequency). This sequence change replaces glutamic acid with alanine at codon 1547 of the RYR3 protein (p.Glu1547Ala). The glutamic acid residue is highly conserved and there is a moderate physicochemical difference between glutamic acid and alanine.